The following is an entry in ClinVar:

NM_016038.4(SBDS):c.272G>A (p.Gly91Glu)

Gene: SBDS (SBDS ribosome maturation factor; minus strand). Cytogenetic location: 7q11.21.
Variant type: single nucleotide variant.
Coding change: c.272G>A on transcript NM_016038.4 (MANE Select); coding-DNA position 272, G replaced by A.
Protein change: p.Gly91Glu; replaces glycine 91 with glutamic acid.
Molecular consequence: missense variant.
Genome position (GRCh38, 1-based): chr7:66,993,404, C>T on the plus strand (G>A on the coding strand, the complement: SBDS is on the minus strand). VCF-style: chr7-66993404-C-T. GRCh37 (hg19) VCF-style: chr7-66458391-C-T.
Other names: short protein forms G91E.
Identifiers: ClinVar variation 4159817 (VCV004159817.1).

ClinVar aggregate classification (germline): Uncertain significance (1 of 4 stars; one submission).

Conditions:
Inborn genetic diseases. Identifiers: MedGen C0950123, MeSH D030342.

Submission:

Ambry Genetics
Classification: Uncertain significance for Inborn genetic diseases. Last evaluated: 2025-08-02. Review status: criteria provided, single submitter. Criteria: Ambry Variant Classification Scheme 2023. Collection method: clinical testing. Allele origin: germline.
Comment: The p.G91E variant (also known as c.272G>A), located in coding exon 3 of the SBDS gene, results from a G to A substitution at nucleotide position 272. The glycine at codon 91 is replaced by glutamic acid, an amino acid with similar properties. This amino acid position is conserved. In addition, this alteration is predicted to be deleterious by in silico analysis. Based on the available evidence, the clinical significance of this variant remains unclear.